The following is an entry in ClinVar:

ClinVar aggregate classification (germline): Uncertain significance (1 of 4 stars; one submission).

Conditions:
Diamond-Blackfan anemia 5 (DBA5). Also called: RPL35A-Related Diamond-Blackfan Anemia. Identifiers: Orphanet 124, MedGen C2675859, MONDO:0012925, OMIM 612528.

gnomAD v4.1: 17 of 1,614,162 alleles (0.0011%); highest among the groups gnomAD compares: Non-Finnish European, 0.0014%; no homozygotes.

Submission:

Labcorp Genetics (formerly Invitae), Labcorp
Classification: Uncertain significance for Diamond-Blackfan anemia 5. Last evaluated: 2023-08-14. Review status: criteria provided, single submitter. Criteria: Invitae Variant Classification Sherloc (09022015). Collection method: clinical testing. Allele origin: germline.
Comment: This sequence change replaces proline, which is neutral and non-polar, with leucine, which is neutral and non-polar, at codon 93 of the RPL35A protein (p.Pro93Leu). This variant is not present in population databases (gnomAD no frequency). This variant has not been reported in the literature in individuals affected with RPL35A-related conditions. An algorithm developed to predict the effect of missense changes on protein structure and function (PolyPhen-2) suggests that this variant is likely to be disruptive. In summary, the available evidence is currently insufficient to determine the role of this variant in disease. Therefore, it has been classified as a Variant of Uncertain Significance.

NM_000996.4(RPL35A):c.278C>T (p.Pro93Leu)

Genes: DRC9 (dynein regulatory complex subunit 9; minus strand), RPL35A (ribosomal protein L35a; plus strand). Cytogenetic location: 3q29.
Variant type: single nucleotide variant.
Coding change: c.278C>T on transcript NM_000996.4 (MANE Select); coding-DNA position 278, C replaced by T.
Protein change: p.Pro93Leu; replaces proline 93 with leucine.
Molecular consequence: missense variant. On other transcripts: intron variant (3).
Genome position (GRCh38, 1-based): chr3:197,954,116, C>T. VCF-style: chr3-197954116-C-T. GRCh37 (hg19) VCF-style: chr3-197680987-C-T.
Other names: c.278C>T, p.Pro93Leu (NM_001316311.2); c.-50+5413G>A (NM_001323028.2); c.-60+5413G>A (NM_032263.5); c.-375+5413G>A (NM_001323029.2); short protein forms P93L.
Identifiers: ClinVar variation 2742035 (VCV002742035.3), dbSNP rs775694539, ClinGen allele CA90987146.